The following is an entry in ClinVar:

NM_000051.4(ATM):c.4445G>T (p.Cys1482Phe)

Gene: ATM (ATM serine/threonine kinase; plus strand). Cytogenetic location: 11q22.3.
Variant type: single nucleotide variant.
Coding change: c.4445G>T on transcript NM_000051.4 (MANE Select); coding-DNA position 4445, G replaced by T.
Protein change: p.Cys1482Phe; replaces cysteine 1482 with phenylalanine.
Molecular consequence: missense variant.
Genome position (GRCh38, 1-based): chr11:108,292,627, G>T. VCF-style: chr11-108292627-G-T. GRCh37 (hg19) VCF-style: chr11-108163354-G-T.
Other names: c.4445G>T, p.Cys1482Phe (NM_001351834.2); short protein forms C1482F.
Identifiers: ClinVar variation 2879653 (VCV002879653.3), dbSNP rs201277352, ClinGen allele CA382532930.

ClinVar aggregate classification (germline): Uncertain significance (1 of 4 stars; one submission).

Conditions:
Ataxia-telangiectasia syndrome (AT). Also called: Ataxia-telangiectasia, complementation group E; Ataxia telangiectasia (A-T); LOUIS-BAR SYNDROME; ATAXIA-TELANGIECTASIA, COMPLEMENTATION GROUP A; ATAXIA-TELANGIECTASIA, FRESNO VARIANT; Ataxia-telangiectasia, complementation group D. Identifiers: Orphanet 100, MedGen C0004135, MONDO:0008840, OMIM 208900.

Submission:

Labcorp Genetics (formerly Invitae), Labcorp
Classification: Uncertain significance for Ataxia-telangiectasia syndrome. Last evaluated: 2022-11-07. Review status: criteria provided, single submitter. Criteria: Invitae Variant Classification Sherloc (09022015). Collection method: clinical testing. Allele origin: germline.
Comment: In summary, the available evidence is currently insufficient to determine the role of this variant in disease. Therefore, it has been classified as a Variant of Uncertain Significance. Algorithms developed to predict the effect of missense changes on protein structure and function (SIFT, PolyPhen-2, Align-GVGD) all suggest that this variant is likely to be tolerated. This variant has not been reported in the literature in individuals affected with ATM-related conditions. This variant is not present in population databases (gnomAD no frequency). This sequence change replaces cysteine, which is neutral and slightly polar, with phenylalanine, which is neutral and non-polar, at codon 1482 of the ATM protein (p.Cys1482Phe).